The following is an entry in ClinVar:

NM_001009944.3(PKD1):c.9164T>C (p.Leu3055Pro)

Gene: PKD1 (polycystin 1, transient receptor potential channel interacting; minus strand). Cytogenetic location: 16p13.3.
Variant type: single nucleotide variant.
Coding change: c.9164T>C on transcript NM_001009944.3 (MANE Select); coding-DNA position 9164, T replaced by C.
Protein change: p.Leu3055Pro; replaces leucine 3055 with proline.
Molecular consequence: missense variant.
Genome position (GRCh38, 1-based): chr16:2,102,418, A>G on the plus strand (T>C on the coding strand, the complement: PKD1 is on the minus strand). VCF-style: chr16-2102418-A-G. GRCh37 (hg19) VCF-style: chr16-2152419-A-G.
Other names: c.9164T>C, p.Leu3055Pro (NM_000296.4); short protein forms L3055P.
Identifiers: ClinVar variation 3764271 (VCV003764271.2).

ClinVar aggregate classification (germline): Uncertain significance (1 of 4 stars; one submission).

Submission:

GeneDx
Classification: Uncertain significance. Last evaluated: 2026-06-03. Review status: criteria provided, single submitter. Criteria: GeneDx Variant Classification Process June 2021. Collection method: clinical testing. Allele origin: germline.
Comment: Not observed at significant frequency in large population cohorts (gnomAD); In silico analysis supports that this missense variant has a deleterious effect on protein structure/function; Has not been previously published as pathogenic or benign to our knowledge